The following is an entry in ClinVar:

NM_033100.4(CDHR1):c.1574C>T (p.Thr525Ile)

Gene: CDHR1 (cadherin related family member 1; plus strand). Cytogenetic location: 10q23.1.
Variant type: single nucleotide variant.
Coding change: c.1574C>T on transcript NM_033100.4 (MANE Select); coding-DNA position 1574, C replaced by T.
Protein change: p.Thr525Ile; replaces threonine 525 with isoleucine.
Molecular consequence: missense variant.
Genome position (GRCh38, 1-based): chr10:84,212,199, C>T. VCF-style: chr10-84212199-C-T. GRCh37 (hg19) VCF-style: chr10-85971955-C-T.
Other names: c.1574C>T, p.Thr525Ile (NM_001171971.3); short protein forms T525I.
Identifiers: ClinVar variation 1360440 (VCV001360440.8), dbSNP rs754996707, ClinGen allele CA5579995.

ClinVar aggregate classification (germline): Uncertain significance (1 of 4 stars; one submission).

Allele frequency attached by ClinVar (database versions not stated): gnomAD exomes below 0.00001 and 0.00001; ExAC 0.00001; TOPMed 0.00001; gnomAD 0.00002.
gnomAD v4.1: 6 of 1,614,100 alleles (0.00037%); highest among the groups gnomAD compares: African/African-American, 0.0013%; no homozygotes.

Submission:

Labcorp Genetics (formerly Invitae), Labcorp
Classification: Uncertain significance. Last evaluated: 2025-04-08. Review status: criteria provided, single submitter. Criteria: Invitae Variant Classification Sherloc (09022015). Collection method: clinical testing. Allele origin: germline.
Comment: This sequence change replaces threonine, which is neutral and polar, with isoleucine, which is neutral and non-polar, at codon 525 of the CDHR1 protein (p.Thr525Ile). This variant is present in population databases (rs754996707, gnomAD 0.003%). This variant has not been reported in the literature in individuals affected with CDHR1-related conditions. ClinVar contains an entry for this variant (Variation ID: 1360440). Invitae Evidence Modeling of protein sequence and biophysical properties (such as structural, functional, and spatial information, amino acid conservation, physicochemical variation, residue mobility, and thermodynamic stability) indicates that this missense variant is not expected to disrupt CDHR1 protein function with a negative predictive value of 80%. In summary, the available evidence is currently insufficient to determine the role of this variant in disease. Therefore, it has been classified as a Variant of Uncertain Significance.